The following is an entry in ClinVar:

ClinVar aggregate classification (germline): Likely benign. Review status: criteria provided, multiple submitters, no conflicts (2 of 4 stars). 2 submissions from 2 submitters: Likely benign (2). Last evaluated 2025-10-21.

Allele frequency attached by ClinVar (database versions not stated): gnomAD exomes 0.00003 and 0.00006; TOPMed 0.00003; ExAC 0.00005; gnomAD 0.00005; ESP Exome Variant Server 0.00015.

Submissions (2):

Labcorp Genetics (formerly Invitae), Labcorp
Classification: Likely benign. Last evaluated: 2025-10-21. Review status: criteria provided, single submitter. Criteria: Invitae Variant Classification Sherloc (09022015). Collection method: clinical testing. Allele origin: germline.

CeGaT Center for Human Genetics Tuebingen
Classification: Likely benign. Last evaluated: 2025-09-01. Review status: criteria provided, single submitter. Criteria: CeGaT Center For Human Genetics Tuebingen Variant Classification Criteria Version 2. Collection method: clinical testing. Allele origin: germline. Affected: yes. Observed: 1 variant allele.
Comment: TIMM50: BP4, BP7

NM_001001563.5(TIMM50):c.168C>T (p.Gly56=)

Gene: TIMM50 (translocase of inner mitochondrial membrane 50; plus strand). Cytogenetic location: 19q13.2.
Variant type: single nucleotide variant.
Coding change: c.168C>T on transcript NM_001001563.5 (MANE Select); coding-DNA position 168, C replaced by T.
Protein change: p.Gly56=; no amino-acid change (glycine 56 retained).
Molecular consequence: synonymous variant. On other transcripts: 5 prime UTR variant (1).
Genome position (GRCh38, 1-based): chr19:39,481,942, C>T. VCF-style: chr19-39481942-C-T. GRCh37 (hg19) VCF-style: chr19-39972582-C-T.
Other names: c.-113C>T (NM_001329559.2).
Identifiers: ClinVar variation 1669384 (VCV001669384.15), dbSNP rs146720183, ClinGen allele CA9431692.
Genomic context (GRCh38, chr19:39,481,942, plus strand): 5'-GGCCGCAGAGATCGGGAGCCGCGGGAGCACTAAGGCGCAAGGGCCACAGCAGCAGCCGGG[C>T]TCAGAGGGTCCCAGCTATGCCAAAAAAGTTGCGCTCTGGCTTGCTGGGCTGCTTGGAGCT-3'
Protein context (NP_001001563.2, residues 46-66): TKAQGPQQQP[Gly56=]SEGPSYAKKV